The following is an entry in ClinVar:

ClinVar aggregate classification (germline): Benign. Review status: criteria provided, multiple submitters, no conflicts (2 of 4 stars). 2 submissions from 2 submitters: Benign (2). Last evaluated 2026-01-15.

Conditions:
Leukocyte adhesion deficiency 1 (LAD1). Also called: LEUKOCYTE ADHESION DEFICIENCY, TYPE I; LAD 1; Lymphocyte function-associated antigen 1 immunodeficiency; LFA 1 immunodeficiency. Identifiers: Orphanet 2968, Orphanet 99842, MedGen C0398738, MONDO:0007293, OMIM 116920.

Allele frequency attached by ClinVar (database versions not stated): gnomAD 0.00005 and 0.00150; TOPMed 0.00023; gnomAD exomes 0.00209 and 0.00432; ExAC 0.00529; 1000 Genomes Project 30x 0.01265; 1000 Genomes Project 0.01478.

Submissions (2):

Labcorp Genetics (formerly Invitae), Labcorp
Classification: Benign for Leukocyte adhesion deficiency 1. Last evaluated: 2026-01-15. Review status: criteria provided, single submitter. Criteria: Invitae Variant Classification Sherloc (09022015). Collection method: clinical testing. Allele origin: germline.

Illumina Laboratory Services, Illumina
Classification: Benign for Leukocyte adhesion deficiency 1. Last evaluated: 2018-01-12. Review status: criteria provided, single submitter. Criteria: ICSL Variant Classification Criteria 13 December 2019. Collection method: clinical testing. Allele origin: germline.
Comment: This variant was observed in the ICSL laboratory as part of a predisposition screen in an ostensibly healthy population. It had not been previously curated by ICSL or reported in the Human Gene Mutation Database (HGMD: prior to June 1st, 2018), and was therefore a candidate for classification through an automated scoring system. Utilizing variant allele frequency, disease prevalence and penetrance estimates, and inheritance mode, an automated score was calculated to assess if this variant is too frequent to cause the disease. Based on the score and internal cut-off values, a variant classified as benign is not then subjected to further curation. The score for this variant resulted in a classification of benign for this disease.

NM_000211.5(ITGB2):c.28G>A (p.Ala10Thr)

Gene: ITGB2 (integrin subunit beta 2; minus strand). Cytogenetic location: 21q22.3.
Variant type: single nucleotide variant.
Coding change: c.28G>A on transcript NM_000211.5 (MANE Select); coding-DNA position 28, G replaced by A.
Protein change: p.Ala10Thr; replaces alanine 10 with threonine.
Molecular consequence: missense variant. On other transcripts: 5 prime UTR variant (1).
Genome position (GRCh38, 1-based): chr21:44,910,755, C>T on the plus strand (G>A on the coding strand, the complement: ITGB2 is on the minus strand). VCF-style: chr21-44910755-C-T. GRCh37 (hg19) VCF-style: chr21-46330670-C-T.
Other names: c.28G>A (LRG_76t1); c.28G>A, p.Ala10Thr (NM_001127491.3); c.-223G>A (NM_001303238.2); short protein forms A10T.
Identifiers: ClinVar variation 340184 (VCV000340184.15), dbSNP rs201802601, ClinGen allele CA10063488.